The following is an entry in ClinVar:

NM_001085458.2(CTNND1):c.2091G>A (p.Thr697=)

Genes: CTNND1 (catenin delta 1; plus strand), TMX2-CTNND1 (TMX2-CTNND1 readthrough (NMD candidate); plus strand). Cytogenetic location: 11q12.1.
Variant type: single nucleotide variant.
Coding change: c.2091G>A on transcript NM_001085458.2 (MANE Select); coding-DNA position 2091, G replaced by A.
Protein change: p.Thr697=; no amino-acid change (threonine 697 retained).
Molecular consequence: synonymous variant. On other transcripts: non-coding transcript variant (1).
Genome position (GRCh38, 1-based): chr11:57,808,292, G>A. VCF-style: chr11-57808292-G-A. GRCh37 (hg19) VCF-style: chr11-57575764-G-A.
Other names: c.2073G>A, p.Thr691= (NM_001085459.2, NM_001085460.2, NM_001085461.2 and 2 more transcripts); c.1788G>A, p.Thr596= (NM_001085463.2, NM_001085466.2); c.1770G>A, p.Thr590= (NM_001085464.2, NM_001085465.2, NM_001085467.2 and 3 more transcripts); c.1929G>A, p.Thr643= (NM_001206883.2, NM_001206884.2); c.2091G>A, p.Thr697= (NM_001206885.2); c.1911G>A, p.Thr637= (NM_001206886.2, NM_001206887.2, NM_001206888.2 and 2 more transcripts).
Identifiers: ClinVar variation 1339132 (VCV001339132.2), dbSNP rs2137384936, ClinGen allele CA474810529.

ClinVar aggregate classification (germline): Uncertain significance (1 of 4 stars; one submission).

Conditions:
Blepharocheilodontic syndrome 2 (BCDS2). Identifiers: MedGen C4540127, MONDO:0040503, OMIM 617681.

Submission:

Neuberg Centre For Genomic Medicine, NCGM
Classification: Uncertain significance for Blepharocheilodontic syndrome 2. Review status: criteria provided, single submitter. Criteria: ACMG Guidelines, 2015. Collection method: clinical testing. Allele origin: germline. Affected: yes.
Comment: The synonymous variant p.T697= in CTNND1 (NM_001085458.2) has not been reported previously as a pathogenic variant nor as a benign variant, to our knowledge. The p.T697= variant is novel (not in any individuals) in gnomAD Exomes and is novel (not in any individuals) in 1000 Genomes. The p.T697= variant is present at the splice site and predicted to disrupt splicing by 3 of 4 splice site algorithms. For these reasons, this variant has been classified as Uncertain Significance.